The following is an entry in ClinVar:

NM_024675.4(PALB2):c.2383C>G (p.Gln795Glu)

Gene: PALB2 (partner and localizer of BRCA2; minus strand). Cytogenetic location: 16p12.2.
Variant type: single nucleotide variant.
Coding change: c.2383C>G on transcript NM_024675.4 (MANE Select); coding-DNA position 2383, C replaced by G.
Protein change: p.Gln795Glu; replaces glutamine 795 with glutamic acid.
Molecular consequence: missense variant.
Genome position (GRCh38, 1-based): chr16:23,629,771, G>C on the plus strand (C>G on the coding strand, the complement: PALB2 is on the minus strand). VCF-style: chr16-23629771-G-C. GRCh37 (hg19) VCF-style: chr16-23641092-G-C.
Other names: short protein forms Q795E.
Identifiers: ClinVar variation 930580 (VCV000930580.13), dbSNP rs1966856854, ClinGen allele CA395124613.

ClinVar aggregate classification (germline): Conflicting classifications of pathogenicity. Review status: criteria provided, conflicting classifications (1 of 4 stars). 3 submissions from 3 submitters: Uncertain significance (2); Likely benign (1). Last evaluated 2024-03-02.

Conditions:
Hereditary cancer-predisposing syndrome. Also called: Neoplastic Syndromes, Hereditary; Hereditary Cancer Syndrome; Tumor predisposition; Hereditary neoplastic syndrome. Identifiers: Orphanet 140162, MedGen C0027672, MeSH D009386, MONDO:0015356.
Familial cancer of breast. Also called: Hereditary breast cancer; BREAST CANCER, FAMILIAL; hereditary breast carcinoma. Identifiers: Orphanet 227535, MedGen C0346153, MONDO:0016419, OMIM 114480. Disease mechanism: loss of function.

Submissions (3):

Labcorp Genetics (formerly Invitae), Labcorp
Classification: Uncertain significance for Familial cancer of breast. Last evaluated: 2024-03-02. Review status: criteria provided, single submitter. Criteria: Invitae Variant Classification Sherloc (09022015). Collection method: clinical testing. Allele origin: germline.
Comment: This sequence change replaces glutamine, which is neutral and polar, with glutamic acid, which is acidic and polar, at codon 795 of the PALB2 protein (p.Gln795Glu). This variant is not present in population databases (gnomAD no frequency). This variant has not been reported in the literature in individuals affected with PALB2-related conditions. ClinVar contains an entry for this variant (Variation ID: 930580). Advanced modeling of protein sequence and biophysical properties (such as structural, functional, and spatial information, amino acid conservation, physicochemical variation, residue mobility, and thermodynamic stability) performed at Invitae indicates that this missense variant is not expected to disrupt PALB2 protein function with a negative predictive value of 80%. In summary, the available evidence is currently insufficient to determine the role of this variant in disease. Therefore, it has been classified as a Variant of Uncertain Significance.

Ambry Genetics
Classification: Uncertain significance for Hereditary cancer-predisposing syndrome. Last evaluated: 2023-05-16. Review status: criteria provided, single submitter. Criteria: Ambry Variant Classification Scheme 2023. Collection method: clinical testing. Allele origin: germline.
Comment: The p.Q795E variant (also known as c.2383C>G), located in coding exon 5 of the PALB2 gene, results from a C to G substitution at nucleotide position 2383. The glutamine at codon 795 is replaced by glutamic acid, an amino acid with highly similar properties. This amino acid position is poorly conserved in available vertebrate species. In addition, this alteration is predicted to be tolerated by in silico analysis. Since supporting evidence is limited at this time, the clinical significance of this alteration remains unclear.

Centre for Mendelian Genomics, University Medical Centre Ljubljana
Classification: Likely benign for Familial cancer of breast. Last evaluated: 2019-10-23. Review status: criteria provided, single submitter. Criteria: ACMG Guidelines, 2015. Collection method: clinical testing. Allele origin: unknown. Affected: yes.
Comment: This variant was classified as: Likely benign. The following ACMG criteria were applied in classifying this variant: PM2,BP1,BP4.